The following is an entry in ClinVar:

NM_003907.3(EIF2B5):c.872dup (p.Thr292fs)

Gene: EIF2B5 (eukaryotic translation initiation factor 2B subunit epsilon; plus strand). Cytogenetic location: 3q27.1.
Variant type: Duplication.
Coding change: c.872dup on transcript NM_003907.3 (MANE Select); coding-DNA position 872, one base duplicated (T; older notation c.872dupT).
Protein change: p.Thr292fs; shifts the reading frame from threonine 292.
Molecular consequence: frameshift variant.
Genome position (GRCh38, 1-based): chr3:184,140,446, T duplicated. VCF-style (leftmost placement, unchanged base first): chr3-184140445-G-GT. GRCh37 (hg19) VCF-style: chr3-183858233-G-GT.
Other names: short protein forms T292fs.
Identifiers: ClinVar variation 2766433 (VCV002766433.3), dbSNP rs2473665816, ClinGen allele CA2697557009.

ClinVar aggregate classification (germline): Pathogenic (1 of 4 stars; one submission).

Submission:

Labcorp Genetics (formerly Invitae), Labcorp
Classification: Pathogenic. Last evaluated: 2023-10-06. Review status: criteria provided, single submitter. Criteria: Invitae Variant Classification Sherloc (09022015). Collection method: clinical testing. Allele origin: germline.
Comment: This sequence change creates a premature translational stop signal (p.Thr292Asnfs*3) in the EIF2B5 gene. It is expected to result in an absent or disrupted protein product. Loss-of-function variants in EIF2B5 are known to be pathogenic (PMID: 11704758, 15060152, 21307862). This variant is not present in population databases (gnomAD no frequency). This variant has not been reported in the literature in individuals affected with EIF2B5-related conditions. For these reasons, this variant has been classified as Pathogenic.

Literature cited by the submitters: PubMed 11704758; PubMed 15060152; PubMed 21307862.